The following is an entry in ClinVar:

ClinVar aggregate classification (germline): Conflicting classifications of pathogenicity. Review status: criteria provided, conflicting classifications (1 of 4 stars). 2 submissions from 2 submitters: Likely pathogenic (1); Uncertain significance (1). Last evaluated 2022-05-02.

Conditions:
KIT-related disorder. Also called: KIT-related condition.
Gastrointestinal stromal tumor. Also called: Gastrointestinal stroma tumor; Gastrointestinal stromal tumor, somatic. Identifiers: Orphanet 44890, MedGen C0238198, MeSH D046152, MONDO:0011719, OMIM 606764, HP:0100723.

Submissions (2):

Blueprint Genetics
Classification: Likely pathogenic for KIT-related disorders. Last evaluated: 2022-05-02. Review status: criteria provided, single submitter. Criteria: ACMG Guidelines, 2015. Collection method: clinical testing. Allele origin: germline. Affected: yes. Observed: 1 variant allele.

Labcorp Genetics (formerly Invitae), Labcorp
Classification: Uncertain significance for Gastrointestinal stromal tumor. Last evaluated: 2019-05-31. Review status: criteria provided, single submitter. Criteria: Invitae Variant Classification Sherloc (09022015). Collection method: clinical testing. Allele origin: germline.
Comment: This sequence change replaces arginine with glycine at codon 791 of the KIT protein (p.Arg791Gly). The arginine residue is highly conserved and there is a moderate physicochemical difference between arginine and glycine. This variant is not present in population databases (ExAC no frequency). This variant has been observed in an individual affected with piebaldism (PMID: 7687267). In summary, the available evidence is currently insufficient to determine the role of this variant in disease. Therefore, it has been classified as a Variant of Uncertain Significance. Algorithms developed to predict the effect of missense changes on protein structure and function (SIFT, PolyPhen-2, Align-GVGD) all suggest that this variant is likely to be disruptive, but these predictions have not been confirmed by published functional studies and their clinical significance is uncertain.

Literature cited by the submitters: PubMed 7687267 (cited by Labcorp Genetics (formerly Invitae), Labcorp).

NM_000222.3(KIT):c.2371A>G (p.Arg791Gly)

Gene: KIT (KIT proto-oncogene, receptor tyrosine kinase; plus strand). Cytogenetic location: 4q12.
Variant type: single nucleotide variant.
Coding change: c.2371A>G on transcript NM_000222.3 (MANE Select); coding-DNA position 2371, A replaced by G.
Protein change: p.Arg791Gly; replaces arginine 791 with glycine.
Molecular consequence: missense variant.
Genome position (GRCh38, 1-based): chr4:54,733,079, A>G. VCF-style: chr4-54733079-A-G. GRCh37 (hg19) VCF-style: chr4-55599245-A-G.
Other names: c.2359A>G, p.Arg787Gly (NM_001093772.2, NM_001385292.1); c.2374A>G, p.Arg792Gly (NM_001385284.1); c.2368A>G, p.Arg790Gly (NM_001385285.1); c.2356A>G, p.Arg786Gly (NM_001385286.1); c.2362A>G, p.Arg788Gly (NM_001385288.1); c.2371A>G, p.Arg791Gly (NM_001385290.1); short protein forms R787G, R791G, R792G, R786G, R788G, R790G.
Identifiers: ClinVar variation 952451 (VCV000952451.11), dbSNP rs1722708855, ClinGen allele CA356911381.
Genomic context (GRCh38, chr4:54,733,079, plus strand): 5'-TACAAGTTAAAATGAATTTAAATGGTTTTCTTTTCTCCTCCAACCTAATAGTGTATTCAC[A>G]GAGACTTGGCAGCCAGAAATATCCTCCTTACTCATGGTCGGATCACAAAGATTTGTGATT-3'
Protein context (NP_000213.1, residues 781-801): AFLASKNCIH[Arg791Gly]DLAARNILLT